The following is an entry in ClinVar:

ClinVar aggregate classification (germline): Uncertain significance. Review status: criteria provided, multiple submitters, no conflicts (2 of 4 stars). 3 submissions from 3 submitters: Uncertain significance (3). Last evaluated 2022-05-03.

Conditions:
Inborn genetic diseases. Identifiers: MedGen C0950123, MeSH D030342.

Allele frequency attached by ClinVar (database versions not stated): TOPMed 0.00001.

Submissions (3):

Labcorp Genetics (formerly Invitae), Labcorp
Classification: Uncertain significance. Last evaluated: 2022-05-03. Review status: criteria provided, single submitter. Criteria: Invitae Variant Classification Sherloc (09022015). Collection method: clinical testing. Allele origin: germline.
Comment: This sequence change replaces serine, which is neutral and polar, with asparagine, which is neutral and polar, at codon 1722 of the KIAA1549 protein (p.Ser1722Asn). This variant is not present in population databases (gnomAD no frequency). This variant has not been reported in the literature in individuals affected with KIAA1549-related conditions. Algorithms developed to predict the effect of missense changes on protein structure and function are either unavailable or do not agree on the potential impact of this missense change (SIFT: "Tolerated"; PolyPhen-2: "Possibly Damaging"; Align-GVGD: "Class C0"). In summary, the available evidence is currently insufficient to determine the role of this variant in disease. Therefore, it has been classified as a Variant of Uncertain Significance.

Ambry Genetics
Classification: Uncertain significance for Inborn genetic diseases. Last evaluated: 2021-10-06. Review status: criteria provided, single submitter. Criteria: Ambry Variant Classification Scheme 2023. Collection method: clinical testing. Allele origin: germline.

Blueprint Genetics
Classification: Uncertain significance. Last evaluated: 2021-09-20. Review status: criteria provided, single submitter. Criteria: ACMG Guidelines, 2015. Collection method: clinical testing. Allele origin: germline.

NM_001164665.2(KIAA1549):c.5165G>A (p.Ser1722Asn)

Gene: KIAA1549 (KIAA1549; minus strand). Cytogenetic location: 7q34.
Variant type: single nucleotide variant.
Coding change: c.5165G>A on transcript NM_001164665.2 (MANE Select); coding-DNA position 5165, G replaced by A.
Protein change: p.Ser1722Asn; replaces serine 1722 with asparagine.
Molecular consequence: missense variant.
Genome position (GRCh38, 1-based): chr7:138,861,221, C>T on the plus strand (G>A on the coding strand, the complement: KIAA1549 is on the minus strand). VCF-style: chr7-138861221-C-T. GRCh37 (hg19) VCF-style: chr7-138545967-C-T.
Other names: c.5165G>A (NM_001164665.1); c.5165G>A, p.Ser1722Asn (NM_020910.3); short protein forms S1722N.
Identifiers: ClinVar variation 1472232 (VCV001472232.5), dbSNP rs1810562213, ClinGen allele CA369393465.